The following is an entry in ClinVar:

ClinVar aggregate classification (germline): Pathogenic (1 of 4 stars; one submission).

Conditions:
Familial cancer of breast. Also called: BREAST CANCER, FAMILIAL; Hereditary breast cancer; hereditary breast carcinoma. Identifiers: Orphanet 227535, MedGen C0346153, MONDO:0016419, OMIM 114480. Disease mechanism: loss of function.

Submission:

Myriad Genetics, Inc.
Classification: Pathogenic for Familial cancer of breast. Last evaluated: 2024-01-18. Review status: criteria provided, single submitter. Criteria: Myriad Autosomal Dominant, Autosomal Recessive and X-Linked Classification Criteria (2023). Collection method: clinical testing. Allele origin: unknown.
Comment: This variant is considered pathogenic. This variant creates a termination codon and is predicted to result in premature protein truncation.

NM_000051.4(ATM):c.2536_2537dup (p.Leu846_Met847insTer)

Gene: ATM (ATM serine/threonine kinase; plus strand). Cytogenetic location: 11q22.3.
Variant type: Duplication.
Coding change: c.2536_2537dup on transcript NM_000051.4 (MANE Select); coding-DNA positions 2536 to 2537, 2 bases duplicated (CT; older notation c.2536_2537dupCT).
Protein change: p.Leu846_Met847insTer.
Molecular consequence: frameshift variant.
Genome position (GRCh38, 1-based): chr11:108,267,240-108,267,241, CT duplicated; duplicating any 2 consecutive bases within chr11:108,267,239-108,267,241 gives the same sequence; the c. name uses the placement nearest the transcript's 3' end. VCF-style (leftmost placement, unchanged base first): chr11-108267238-A-ATC. GRCh37 (hg19) VCF-style: chr11-108137965-A-ATC.
Other names: c.2536_2537dup, p.Leu846_Met847insTer (NM_001351834.2).
Identifiers: ClinVar variation 3148444 (VCV003148444.1), dbSNP rs2497593396, ClinGen allele CA2825001807.